The following is an entry in ClinVar:

NM_004431.5(EPHA2):c.2827G>A (p.Asp943Asn)

Gene: EPHA2 (EPH receptor A2; minus strand). Cytogenetic location: 1p36.13.
Variant type: single nucleotide variant.
Coding change: c.2827G>A on transcript NM_004431.5 (MANE Select); coding-DNA position 2827, G replaced by A.
Protein change: p.Asp943Asn; replaces aspartic acid 943 with asparagine.
Molecular consequence: missense variant.
Genome position (GRCh38, 1-based): chr1:16,125,319, C>T on the plus strand (G>A on the coding strand, the complement: EPHA2 is on the minus strand). VCF-style: chr1-16125319-C-T. GRCh37 (hg19) VCF-style: chr1-16451814-C-T.
Other names: c.2665G>A, p.Asp889Asn (NM_001329090.2); c.2827G>A (NM_004431.4); short protein forms D943N, D889N.
Identifiers: ClinVar variation 2731076 (VCV002731076.5), dbSNP rs1369958686, ClinGen allele CA338613780.

ClinVar aggregate classification (germline): Conflicting classifications of pathogenicity. Review status: criteria provided, conflicting classifications (1 of 4 stars). 3 submissions from 3 submitters: Likely pathogenic (1); Uncertain significance (2). Last evaluated 2026-04-27.

Conditions:
EPHA2-related disorder. Also called: EPHA2-related condition.
Cataract 6 multiple types. Also called: CATARACT, AGE-RELATED CORTICAL, 2; CATARACT 6, POSTERIOR POLAR; CATARACT 6, CONGENITAL TOTAL. Identifiers: Orphanet 91492, MedGen C1861825, MONDO:0007288, OMIM 116600.

Allele frequency attached by ClinVar (database versions not stated): gnomAD exomes below 0.00001.
gnomAD v4.1: 1 of 1,379,892 alleles (0.000072%); highest among the groups gnomAD compares: Non-Finnish European, 0.000097%; no homozygotes.

Submissions (3):

PreventionGenetics, part of Exact Sciences
Classification: Likely pathogenic for EPHA2-related condition. Last evaluated: 2026-04-27. Review status: criteria provided, single submitter. Criteria: ACMG Guidelines, 2015. Collection method: clinical testing. Allele origin: germline.
Comment: The EPHA2 c.2827G>A variant is predicted to result in the amino acid substitution p.Asp943Asn. This variant has been reported in an individual with congenital cataracts (Supplementary Table 1, Hayman et al. 2024. PubMed ID: 37798099). This variant has not been reported in a large population database (gnomAD), indicating this variant is rare. This variant is classified as likely pathogenic.

Labcorp Genetics (formerly Invitae), Labcorp
Classification: Uncertain significance for Cataract 6 multiple types. Last evaluated: 2023-06-27. Review status: criteria provided, single submitter. Criteria: Invitae Variant Classification Sherloc (09022015). Collection method: clinical testing. Allele origin: germline.
Comment: This variant has not been reported in the literature in individuals affected with EPHA2-related conditions. This variant is not present in population databases (gnomAD no frequency). This sequence change replaces aspartic acid, which is acidic and polar, with asparagine, which is neutral and polar, at codon 943 of the EPHA2 protein (p.Asp943Asn). An algorithm developed to predict the effect of missense changes on protein structure and function (PolyPhen-2) suggests that this variant is likely to be disruptive. In summary, the available evidence is currently insufficient to determine the role of this variant in disease. Therefore, it has been classified as a Variant of Uncertain Significance.

Blueprint Genetics
Classification: Uncertain significance. Last evaluated: 2022-08-18. Review status: criteria provided, single submitter. Criteria: ACMG Guidelines, 2015. Collection method: clinical testing. Allele origin: germline.